The following is an entry in ClinVar:

NM_000078.3(CETP):c.1357A>C (p.Lys453Gln)

Gene: CETP (cholesteryl ester transfer protein; plus strand). Cytogenetic location: 16q13.
Variant type: single nucleotide variant.
Coding change: c.1357A>C on transcript NM_000078.3 (MANE Select); coding-DNA position 1357, A replaced by C.
Protein change: p.Lys453Gln; replaces lysine 453 with glutamine.
Molecular consequence: missense variant.
Genome position (GRCh38, 1-based): chr16:56,983,361, A>C. VCF-style: chr16-56983361-A-C. GRCh37 (hg19) VCF-style: chr16-57017273-A-C.
Other names: c.1177A>C, p.Lys393Gln (NM_001286085.2); short protein forms K453Q, K393Q.
Identifiers: ClinVar variation 1522183 (VCV001522183.6), dbSNP rs2142007849, ClinGen allele CA396008168.

ClinVar aggregate classification (germline): Uncertain significance (1 of 4 stars; one submission).

Allele frequency attached by ClinVar (database versions not stated): gnomAD exomes below 0.00001.
gnomAD v4.1: 1 of 1,614,246 alleles (0.000062%); highest among the groups gnomAD compares: Non-Finnish European, 0.000085%; no homozygotes.

Submission:

Labcorp Genetics (formerly Invitae), Labcorp
Classification: Uncertain significance. Last evaluated: 2021-12-12. Review status: criteria provided, single submitter. Criteria: Invitae Variant Classification Sherloc (09022015). Collection method: clinical testing. Allele origin: germline.
Comment: In summary, the available evidence is currently insufficient to determine the role of this variant in disease. Therefore, it has been classified as a Variant of Uncertain Significance. Algorithms developed to predict the effect of missense changes on protein structure and function are either unavailable or do not agree on the potential impact of this missense change (SIFT: "Tolerated"; PolyPhen-2: "Possibly Damaging"; Align-GVGD: "Class C0"). This variant has not been reported in the literature in individuals affected with CETP-related conditions. This variant is not present in population databases (gnomAD no frequency). This sequence change replaces lysine, which is basic and polar, with glutamine, which is neutral and polar, at codon 453 of the CETP protein (p.Lys453Gln).